The following is an entry in ClinVar:

ClinVar aggregate classification (germline): Uncertain significance. Review status: criteria provided, multiple submitters, no conflicts (2 of 4 stars). 3 submissions from 3 submitters: Uncertain significance (3). Last evaluated 2024-12-13.

Conditions:
PEX5-related disorder. Also called: PEX5-related condition; PEX5-Related Disorders.
Peroxisome biogenesis disorder 2B (PBD2B). Identifiers: Orphanet 44, MedGen C3550234, MONDO:0008736, OMIM 202370.

Allele frequency attached by ClinVar (database versions not stated): gnomAD 0.00005 and 0.00006; gnomAD exomes 0.00006; ExAC 0.00007; TOPMed 0.00007.
gnomAD v4.1: 98 of 1,613,750 alleles (0.0061%); highest among the groups gnomAD compares: South Asian, 0.014%; no homozygotes.

Submissions (3):

PreventionGenetics, part of Exact Sciences
Classification: Uncertain significance for PEX5-related condition. Last evaluated: 2024-12-13. Review status: criteria provided, single submitter. Criteria: ACMG Guidelines, 2015. Collection method: clinical testing. Allele origin: germline.
Comment: The PEX5 c.1549G>A variant is predicted to result in the amino acid substitution p.Val517Ile. To our knowledge, this variant has not been reported in the literature. This variant is reported in 0.020% of alleles in individuals of South Asian descent in gnomAD. At this time, the clinical significance of this variant is uncertain due to the absence of conclusive functional and genetic evidence.

Labcorp Genetics (formerly Invitae), Labcorp
Classification: Uncertain significance for Peroxisome biogenesis disorder 2B. Last evaluated: 2022-10-13. Review status: criteria provided, single submitter. Criteria: Invitae Variant Classification Sherloc (09022015). Collection method: clinical testing. Allele origin: germline.
Comment: This sequence change replaces valine, which is neutral and non-polar, with isoleucine, which is neutral and non-polar, at codon 517 of the PEX5 protein (p.Val517Ile). This variant is present in population databases (rs201596535, gnomAD 0.02%). This variant has not been reported in the literature in individuals affected with PEX5-related conditions. ClinVar contains an entry for this variant (Variation ID: 286540). Advanced modeling of protein sequence and biophysical properties (such as structural, functional, and spatial information, amino acid conservation, physicochemical variation, residue mobility, and thermodynamic stability) performed at Invitae indicates that this missense variant is not expected to disrupt PEX5 protein function. In summary, the available evidence is currently insufficient to determine the role of this variant in disease. Therefore, it has been classified as a Variant of Uncertain Significance.

Eurofins Ntd Llc (ga)
Classification: Uncertain significance. Last evaluated: 2016-02-25. Review status: criteria provided, single submitter. Criteria: EGL Classification Definitions 2015. Collection method: clinical testing. Allele origin: germline. Observed: 1 variant allele, 1 heterozygote.

NM_001351132.2(PEX5):c.1549G>A (p.Val517Ile)

Gene: PEX5 (peroxisomal biogenesis factor 5; plus strand). Cytogenetic location: 12p13.31.
Variant type: single nucleotide variant.
Coding change: c.1549G>A on transcript NM_001351132.2 (MANE Select); coding-DNA position 1549, G replaced by A.
Protein change: p.Val517Ile; replaces valine 517 with isoleucine.
Molecular consequence: missense variant.
Genome position (GRCh38, 1-based): chr12:7,209,159, G>A. VCF-style: chr12-7209159-G-A. GRCh37 (hg19) VCF-style: chr12-7361755-G-A.
Other names: c.1525G>A, p.Val509Ile (NM_000319.5); c.1594G>A, p.Val532Ile (NM_001131023.2); c.1438G>A, p.Val480Ile (NM_001131024.2, NM_001351124.3, NM_001351126.2 and 7 more transcripts); c.1549G>A, p.Val517Ile (NM_001131025.2, NM_001131026.2, NM_001300789.3 and 4 more transcripts); c.1414G>A, p.Val472Ile (NM_001374649.2, NM_001351139.2, NM_001351140.2); c.1549G>A (NM_001131025.1); c.1483G>A, p.Val495Ile (NM_001351135.3, NM_001351138.2); c.1540G>A, p.Val514Ile (NM_001351136.2); short protein forms V509I, V517I, V514I, V532I, V480I, V495I, V472I.
Identifiers: ClinVar variation 286540 (VCV000286540.9), dbSNP rs201596535, ClinGen allele CA6426483.